The following is an entry in ClinVar:

ClinVar aggregate classification (germline): Benign (0 of 4 stars; one submission).

Conditions:
MARK3-related disorder. Also called: MARK3-related condition.

Allele frequency attached by ClinVar (database versions not stated): 1000 Genomes Project 30x 0.00390; 1000 Genomes Project 0.00399; TOPMed 0.00697; ESP Exome Variant Server 0.00804; gnomAD 0.01066; ExAC 0.01161.
gnomAD v4.1: 20,092 of 1,614,090 alleles (1.2%); highest among the groups gnomAD compares: Non-Finnish European, 1.3%; 167 homozygotes.

Submission:

PreventionGenetics, part of Exact Sciences
Classification: Benign for MARK3-related condition. Last evaluated: 2019-06-25. Review status: no assertion criteria provided. Collection method: clinical testing. Allele origin: germline.
Comment: This variant is classified as benign based on ACMG/AMP sequence variant interpretation guidelines (Richards et al. 2015 PMID: 25741868, with internal and published modifications).

NM_001128918.3(MARK3):c.1389G>A (p.Lys463=)

Gene: MARK3 (microtubule affinity regulating kinase 3; plus strand). Cytogenetic location: 14q32.32.
Variant type: single nucleotide variant.
Coding change: c.1389G>A on transcript NM_001128918.3 (MANE Select); coding-DNA position 1389, G replaced by A.
Protein change: p.Lys463=; no amino-acid change (lysine 463 retained).
Molecular consequence: synonymous variant.
Genome position (GRCh38, 1-based): chr14:103,475,117, G>A. VCF-style: chr14-103475117-G-A. GRCh37 (hg19) VCF-style: chr14-103941454-G-A.
Other names: c.1389G>A, p.Lys463= (NM_001128919.3, NM_002376.7); c.1341G>A, p.Lys447= (NM_001128920.3); c.1152G>A, p.Lys384= (NM_001128921.3); c.1335G>A, p.Lys445= (NM_001411055.1); c.1197G>A, p.Lys399= (NM_001411056.1).
Identifiers: ClinVar variation 3044255 (VCV003044255.2), dbSNP rs56126530, ClinGen allele CA7364106.